The following is an entry in ClinVar:

ClinVar aggregate classification (germline): Uncertain significance (1 of 4 stars; one submission).

Conditions:
Juvenile polyposis syndrome (JPS). Identifiers: Orphanet 2929, MedGen C0345893, MONDO:0017380, OMIM 174900.

Submission:

Labcorp Genetics (formerly Invitae), Labcorp
Classification: Uncertain significance for Juvenile polyposis syndrome. Last evaluated: 2022-02-05. Review status: criteria provided, single submitter. Criteria: Invitae Variant Classification Sherloc (09022015). Collection method: clinical testing. Allele origin: germline.
Comment: This variant is not present in population databases (gnomAD no frequency). This variant has not been reported in the literature in individuals affected with SMAD4-related conditions. ClinVar contains an entry for this variant (Variation ID: 645429). Advanced modeling of protein sequence and biophysical properties (such as structural, functional, and spatial information, amino acid conservation, physicochemical variation, residue mobility, and thermodynamic stability) performed at Invitae indicates that this missense variant is expected to disrupt SMAD4 protein function. In summary, the available evidence is currently insufficient to determine the role of this variant in disease. Therefore, it has been classified as a Variant of Uncertain Significance. This sequence change replaces proline, which is neutral and non-polar, with leucine, which is neutral and non-polar, at codon 68 of the SMAD4 protein (p.Pro68Leu).

NM_005359.6(SMAD4):c.203C>T (p.Pro68Leu)

Gene: SMAD4 (SMAD family member 4; plus strand). Cytogenetic location: 18q21.2.
Variant type: single nucleotide variant.
Coding change: c.203C>T on transcript NM_005359.6 (MANE Select); coding-DNA position 203, C replaced by T.
Protein change: p.Pro68Leu; replaces proline 68 with leucine.
Molecular consequence: missense variant.
Genome position (GRCh38, 1-based): chr18:51,047,249, C>T. VCF-style: chr18-51047249-C-T. GRCh37 (hg19) VCF-style: chr18-48573619-C-T.
Other names: short protein forms P68L.
Identifiers: ClinVar variation 645429 (VCV000645429.10), dbSNP rs1599181216, ClinGen allele CA402458010.